The following is an entry in ClinVar:

ClinVar aggregate classification (germline): Uncertain significance (1 of 4 stars; one submission).

gnomAD v4.1: 3 of 1,613,998 alleles (0.00019%); highest among the groups gnomAD compares: Admixed American, 0.0017%; no homozygotes.

Submission:

GeneDx
Classification: Uncertain significance. Last evaluated: 2026-03-25. Review status: criteria provided, single submitter. Criteria: GeneDx Variant Classification Process June 2021. Collection method: clinical testing. Allele origin: germline.
Comment: Not observed at significant frequency in large population cohorts (gnomAD); In silico analysis supports that this missense variant has a deleterious effect on protein structure/function; Has not been previously published as pathogenic or benign to our knowledge

NM_022124.6(CDH23):c.2489C>T (p.Thr830Met)

Gene: CDH23 (cadherin related 23; plus strand). Cytogenetic location: 10q22.1.
Variant type: single nucleotide variant.
Coding change: c.2489C>T on transcript NM_022124.6 (MANE Select); coding-DNA position 2489, C replaced by T.
Protein change: p.Thr830Met; replaces threonine 830 with methionine.
Molecular consequence: missense variant.
Genome position (GRCh38, 1-based): chr10:71,702,113, C>T. VCF-style: chr10-71702113-C-T. GRCh37 (hg19) VCF-style: chr10-73461870-C-T.
Other names: c.2489C>T, p.Thr830Met (NM_001171930.2, NM_001171931.2); short protein forms T830M.
Identifiers: ClinVar variation 5017142 (VCV005017142.1).